The following is an entry in ClinVar:

ClinVar aggregate classification (germline): Pathogenic. Review status: reviewed by expert panel (3 of 4 stars). 3 submissions from 3 submitters: Pathogenic (1). 2 of the submissions do not count toward it. Last evaluated 2017-12-15.

Conditions:
Hereditary cancer-predisposing syndrome. Also called: Hereditary neoplastic syndrome; Neoplastic Syndromes, Hereditary; Tumor predisposition; Hereditary Cancer Syndrome. Identifiers: Orphanet 140162, MedGen C0027672, MeSH D009386, MONDO:0015356.
Hereditary breast ovarian cancer syndrome. Also called: Hereditary breast and ovarian cancer syndrome; Hereditary breast and/or ovarian cancer syndrome; BRCA1- and BRCA2-Associated Hereditary Breast and Ovarian Cancer; Hereditary breast and ovarian cancer syndrome (HBOC); Hereditary breast and ovarian cancer; Breast and ovarian cancer. Identifiers: Orphanet 145, MedGen C0677776, MeSH D061325, MONDO:0003582. Disease mechanism: loss of function.
Breast-ovarian cancer, familial, susceptibility to, 2 (BROVCA2). Also called: BRCA2 Hereditary Breast and Ovarian Cancer. Identifiers: Orphanet 145, MedGen C2675520, MONDO:0012933, OMIM 612555. Disease mechanism: loss of function.

Submissions (3):

Evidence-based Network for the Interpretation of Germline Mutant Alleles (ENIGMA)
Classification: Pathogenic for Breast-ovarian cancer, familial, susceptibility to, 2. Last evaluated: 2017-12-15. Review status: reviewed by expert panel. Criteria: ENIGMA BRCA1/2 Classification Criteria (2017-06-29). Collection method: curation. Allele origin: germline. Study: ENIGMA.
Comment: Variant allele predicted to encode a truncated non-functional protein.

Ambry Genetics
Classification: Pathogenic for Hereditary cancer-predisposing syndrome. Last evaluated: 2025-06-12. Review status: criteria provided, single submitter. Criteria: Ambry Variant Classification Scheme 2023. Collection method: clinical testing. Allele origin: germline. Not counted in ClinVar's aggregate classification.
Comment: The c.2474delA pathogenic mutation, located in coding exon 10 of the BRCA2 gene, results from a deletion of one nucleotide at nucleotide position 2474, causing a translational frameshift with a predicted alternate stop codon (p.N825Mfs*16). This variant is considered to be rare based on population cohorts in the Genome Aggregation Database (gnomAD). This alteration is expected to result in loss of function by premature protein truncation or nonsense-mediated mRNA decay. As such, this alteration is interpreted as a disease-causing mutation.

Labcorp Genetics (formerly Invitae), Labcorp
Classification: Pathogenic for Hereditary breast ovarian cancer syndrome. Last evaluated: 2024-01-29. Review status: criteria provided, single submitter. Criteria: Invitae Variant Classification Sherloc (09022015). Collection method: clinical testing. Allele origin: germline. Not counted in ClinVar's aggregate classification.
Comment: This sequence change creates a premature translational stop signal (p.Asn825Metfs*16) in the BRCA2 gene. It is expected to result in an absent or disrupted protein product. Loss-of-function variants in BRCA2 are known to be pathogenic (PMID: 20104584). This variant is not present in population databases (gnomAD no frequency). This variant has not been reported in the literature in individuals affected with BRCA2-related conditions. ClinVar contains an entry for this variant (Variation ID: 409504). For these reasons, this variant has been classified as Pathogenic.

Literature cited by the submitters: PubMed 20104584 (cited by Labcorp Genetics (formerly Invitae), Labcorp).

NM_000059.4(BRCA2):c.2474del (p.Asn825fs)

Gene: BRCA2 (BRCA2 DNA repair associated; plus strand). Cytogenetic location: 13q13.1.
Variant type: Deletion.
Coding change: c.2474del on transcript NM_000059.4 (MANE Select); coding-DNA position 2474, one base deleted (A; older notation c.2474delA).
Protein change: p.Asn825fs; shifts the reading frame from asparagine 825.
Molecular consequence: frameshift variant.
Genome position (GRCh38, 1-based): chr13:32,336,829, A deleted; the last of 3 consecutive A bases (chr13:32,336,827-32,336,829); deleting any one gives the same sequence. VCF-style (leftmost placement, unchanged base first): chr13-32336826-TA-T. GRCh37 (hg19) VCF-style: chr13-32910963-TA-T.
Other names: c.2474delA (NM_000059.3); short protein forms N825fs.
Identifiers: ClinVar variation 409504 (VCV000409504.10), dbSNP rs1060502437, ClinGen allele CA16614251.